The following is an entry in ClinVar:

NM_002878.4(RAD51D):c.373G>A (p.Ala125Thr)

Genes: RAD51D (RAD51 paralog D; minus strand), RAD51L3-RFFL (RAD51L3-RFFL readthrough; minus strand). Cytogenetic location: 17q12.
Variant type: single nucleotide variant.
Coding change: c.373G>A on transcript NM_002878.4 (MANE Select); coding-DNA position 373, G replaced by A.
Protein change: p.Ala125Thr; replaces alanine 125 with threonine.
Molecular consequence: missense variant. On other transcripts: non-coding transcript variant (1), intron variant (1).
Genome position (GRCh38, 1-based): chr17:35,107,095, C>T on the plus strand (G>A on the coding strand, the complement: RAD51D is on the minus strand). VCF-style: chr17-35107095-C-T. GRCh37 (hg19) VCF-style: chr17-33434114-C-T.
Other names: c.433G>A, p.Ala145Thr (NM_001142571.2); c.145-614G>A (NM_133629.3); short protein forms A125T, A145T.
Identifiers: ClinVar variation 1304193 (VCV001304193.2), dbSNP rs1597862772, ClinGen allele CA399089355.
Genomic context (GRCh38, chr17:35,107,095, plus strand): 5'-GGGAAGCTGTCAGCCCTCCATTGGAATCTACATATAGGACGTTTTGCTGCAGGCCATGGG[C>T]CACATTTGCTGCCATACAGAGACATACCTGGGGGTGGGGGCATTGGATGAACTTGACACT-3'
Protein context (NP_002869.3, residues 115-135): QVCLCMAANV[Ala125Thr]HGLQQNVLYV

ClinVar aggregate classification (germline): Uncertain significance (1 of 4 stars; one submission).

Submission:

GeneDx
Classification: Uncertain significance. Last evaluated: 2018-09-19. Review status: criteria provided, single submitter. Criteria: GeneDx Variant Classification Process June 2021. Collection method: clinical testing. Allele origin: germline. Affected: yes.
Comment: Not observed in large population cohorts (Lek 2016); In silico analysis supports that this missense variant does not alter protein structure/function; Has not been previously published as pathogenic or benign to our knowledge